The following is an entry in ClinVar:

NM_000089.4(COL1A2):c.511C>T (p.Pro171Ser)

Gene: COL1A2 (collagen type I alpha 2 chain; plus strand). Cytogenetic location: 7q21.3.
Variant type: single nucleotide variant.
Coding change: c.511C>T on transcript NM_000089.4 (MANE Select); coding-DNA position 511, C replaced by T.
Protein change: p.Pro171Ser; replaces proline 171 with serine.
Molecular consequence: missense variant.
Genome position (GRCh38, 1-based): chr7:94,405,697, C>T. VCF-style: chr7-94405697-C-T. GRCh37 (hg19) VCF-style: chr7-94035009-C-T.
Other names: c.511C>T (NM_000089.3); short protein forms P171S.
Identifiers: ClinVar variation 1502510 (VCV001502510.9), dbSNP rs2115879087, ClinGen allele CA368219930.
Genomic context (GRCh38, chr7:94,405,697, plus strand): 5'-AAACATTATTCACCATCTTCTGTATTTCTTTCTAAGGGTGCTCGTGGTTTCCCTGGAACT[C>T]CTGGACTTCCTGGCTTCAAAGGCATTAGGGTGAGCACATTCTTTACTCAGAAGAGAGAAA-3'
Protein context (NP_000080.2, residues 161-181): PQGARGFPGT[Pro171Ser]GLPGFKGIRG

ClinVar aggregate classification (germline): Uncertain significance. Review status: criteria provided, multiple submitters, no conflicts (2 of 4 stars). 2 submissions from 2 submitters: Uncertain significance (2). Last evaluated 2021-06-08.

Conditions:
Ehlers-Danlos syndrome, classic type, 1 (EDSCL1). Also called: EHLERS-DANLOS SYNDROME, GRAVIS TYPE; EHLERS-DANLOS SYNDROME, SEVERE CLASSIC TYPE; Ehlers-Danlos syndrome, type 1; Ehlers-Danlos Syndrome, Classic Type, COL5A1-Related; EDS I. Identifiers: MedGen C0268335, MONDO:0019567, OMIM 130000.
Osteogenesis imperfecta type I (OI1). Also called: OI, TYPE I; OSTEOGENESIS IMPERFECTA TARDA; OSTEOGENESIS IMPERFECTA WITH BLUE SCLERAE; Osteogenesis imperfecta type 1; Lobstein's Disease; Lobstein disease. Identifiers: Orphanet 216796, Orphanet 666, MedGen C0023931, MONDO:0008146, OMIM 166200. Disease mechanism: loss of function.
Osteogenesis imperfecta, perinatal lethal (OI2). Also called: OSTEOGENESIS IMPERFECTA, TYPE II; OI, TYPE II; OSTEOGENESIS IMPERFECTA CONGENITA; VROLIK TYPE OF OSTEOGENESIS IMPERFECTA; Osteogenesis imperfecta type 2; Osteogenesis imperfecta, dominant perinatal lethal. Identifiers: Orphanet 216804, MedGen C0268358, MONDO:0008147, OMIM 166210.

Submissions (2):

Labcorp Genetics (formerly Invitae), Labcorp
Classification: Uncertain significance for Osteogenesis imperfecta type I; Ehlers-Danlos syndrome, classic type, 1. Last evaluated: 2021-06-08. Review status: criteria provided, single submitter. Criteria: Invitae Variant Classification Sherloc (09022015). Collection method: clinical testing. Allele origin: germline.
Comment: In summary, the available evidence is currently insufficient to determine the role of this variant in disease. Therefore, it has been classified as a Variant of Uncertain Significance. Algorithms developed to predict the effect of missense changes on protein structure and function are either unavailable or do not agree on the potential impact of this missense change (SIFT: "Deleterious"; PolyPhen-2: "Not Available"; Align-GVGD: "Class C65"). This variant has not been reported in the literature in individuals with COL1A2-related conditions. This variant is not present in population databases (ExAC no frequency). This sequence change replaces proline with serine at codon 171 of the COL1A2 protein (p.Pro171Ser). The proline residue is highly conserved and there is a moderate physicochemical difference between proline and serine.

Victorian Clinical Genetics Services, Murdoch Childrens Research Institute
Classification: Uncertain significance for Osteogenesis imperfecta, perinatal lethal. Last evaluated: 2021-05-06. Review status: criteria provided, single submitter. Criteria: ACMG Guidelines, 2015. Collection method: clinical testing. Allele origin: germline.
Comment: Based on the classification scheme VCGS_Germline_v1.3.4, this variant is classified as VUS-3B. Following criteria are met: 0103 - Dominant negative and loss of function are known mechanisms of disease in this gene. Heterozygous missense variants causing severe and lethal forms of osteogenesis imperfecta (MIM#s166210, 259420 & 166220) are due to a dominant negative mechanism, whereas biallelic loss of function variants result in the autosomal recessive form of Ehlers-Danlos syndrome (MIM#225320). The exact mechanism of disease for the autosomal dominant form of Ehlers-Danlos syndrome (MIM#2617821) remains unclear, however variants have been shown to result in the whole or partial skipping of exon 6 (PMID: 12362985, PMID: 31218159). (I) 0108 - This gene is associated with both recessive and dominant disease. Most phenotypes associated with this gene are autosomal dominant, however the cardiac valvular type of Ehlers-Danlos syndrome (MIM#225320) is recessively inherited (OMIM). (I) 0200 - Variant is predicted to result in a missense amino acid change from proline to serine. (I) 0251 - This variant is heterozygous. (I) 0301 - Variant is absent from gnomAD (both v2 and v3). (SP) 0501 - Missense variant consistently predicted to be damaging by multiple in silico tools or highly conserved with a major amino acid change. (SP) 0600 - Variant is located in the annotated collagen triple helix repeat, at the Y position of a Gly-X-Y motif (NCBI). (I) 0705 - No comparable missense variants have previous evidence for pathogenicity. (I) 0807 - This variant has no previous evidence of pathogenicity. (I) 0905 - No published segregation evidence has been identified for this variant. (I) 1007 - No published functional evidence has been identified for this variant. (I) 1208 - Inheritance information for this variant is not currently available in this individual. (I) Legend: (SP) - Supporting pathogenic, (I) - Information, (SB) - Supporting benign

Literature cited by the submitters: PubMed 12362985 (cited by Victorian Clinical Genetics Services, Murdoch Childrens Research Institute); PubMed 31218159 (cited by Victorian Clinical Genetics Services, Murdoch Childrens Research Institute).